The following is an entry in ClinVar:

NM_000138.5(FBN1):c.859G>A (p.Glu287Lys)

Gene: FBN1 (fibrillin 1; minus strand). Cytogenetic location: 15q21.1.
Variant type: single nucleotide variant.
Coding change: c.859G>A on transcript NM_000138.5 (MANE Select); coding-DNA position 859, G replaced by A.
Protein change: p.Glu287Lys; replaces glutamic acid 287 with lysine.
Molecular consequence: missense variant.
Genome position (GRCh38, 1-based): chr15:48,534,083, C>T on the plus strand (G>A on the coding strand, the complement: FBN1 is on the minus strand). VCF-style: chr15-48534083-C-T. GRCh37 (hg19) VCF-style: chr15-48826280-C-T.
Other names: c.859G>A, p.Glu287Lys (NM_001406716.1, NM_001406717.1); short protein forms E287K.
Identifiers: ClinVar variation 1966585 (VCV001966585.5), dbSNP rs1597591602, ClinGen allele CA392352249.

ClinVar aggregate classification (germline): Uncertain significance (1 of 4 stars; one submission).

Conditions:
Familial thoracic aortic aneurysm and aortic dissection (TAAD). Also called: Thoracic aortic aneurysms and dissections. Identifiers: Orphanet 91387, MedGen C4707243, MONDO:0019625.
Marfan syndrome (MFS). Also called: MARFAN SYNDROME, TYPE I; Marfan syndrome type 1; Marfan's syndrome; Marfan syndrome, classic; FBN1-Related Marfan Syndrome. Identifiers: Orphanet 284963, Orphanet 558, MedGen C0024796, MONDO:0007947, OMIM 154700.

Allele frequency attached by ClinVar (database versions not stated): gnomAD exomes below 0.00001; TOPMed below 0.00001.
gnomAD v4.1: 1 of 1,613,680 alleles (0.000062%); highest among the groups gnomAD compares: Non-Finnish European, 0.000085%; no homozygotes.

Submission:

Labcorp Genetics (formerly Invitae), Labcorp
Classification: Uncertain significance for Marfan syndrome; Familial thoracic aortic aneurysm and aortic dissection. Last evaluated: 2025-03-17. Review status: criteria provided, single submitter. Criteria: Invitae Variant Classification Sherloc (09022015). Collection method: clinical testing. Allele origin: germline.
Comment: This sequence change replaces glutamic acid, which is acidic and polar, with lysine, which is basic and polar, at codon 287 of the FBN1 protein (p.Glu287Lys). This variant is not present in population databases (gnomAD no frequency). This variant has not been reported in the literature in individuals affected with FBN1-related conditions. ClinVar contains an entry for this variant (Variation ID: 1966585). Invitae Evidence Modeling of protein sequence and biophysical properties (such as structural, functional, and spatial information, amino acid conservation, physicochemical variation, residue mobility, and thermodynamic stability) indicates that this missense variant is not expected to disrupt FBN1 protein function with a negative predictive value of 95%. In summary, the available evidence is currently insufficient to determine the role of this variant in disease. Therefore, it has been classified as a Variant of Uncertain Significance.